The following is an entry in ClinVar:

ClinVar aggregate classification (germline): Uncertain significance. Review status: criteria provided, multiple submitters, no conflicts (2 of 4 stars). 2 submissions from 2 submitters: Uncertain significance (2). Last evaluated 2025-08-12.

gnomAD v4.1: 8 of 1,613,750 alleles (0.0005%); highest among the groups gnomAD compares: African/African-American, 0.0027%; no homozygotes.

Submissions (2):

Labcorp Genetics (formerly Invitae), Labcorp
Classification: Uncertain significance. Last evaluated: 2025-08-12. Review status: criteria provided, single submitter. Criteria: Invitae Variant Classification Sherloc (09022015). Collection method: clinical testing. Allele origin: germline.
Comment: This sequence change replaces alanine, which is neutral and non-polar, with threonine, which is neutral and polar, at codon 652 of the SLC44A4 protein (p.Ala652Thr). This variant is present in population databases (rs748729539, gnomAD 0.0009%). This variant has not been reported in the literature in individuals affected with SLC44A4-related conditions. Invitae Evidence Modeling of protein sequence and biophysical properties (such as structural, functional, and spatial information, amino acid conservation, physicochemical variation, residue mobility, and thermodynamic stability) indicates that this missense variant is not expected to disrupt SLC44A4 protein function with a negative predictive value of 80%. In summary, the available evidence is currently insufficient to determine the role of this variant in disease. Therefore, it has been classified as a Variant of Uncertain Significance.

Blueprint Genetics
Classification: Uncertain significance. Last evaluated: 2024-07-01. Review status: criteria provided, single submitter. Criteria: ACMG Guidelines, 2015. Collection method: clinical testing. Allele origin: germline.

NM_025257.3(SLC44A4):c.1954G>A (p.Ala652Thr)

Gene: SLC44A4 (solute carrier family 44 member 4; minus strand). Cytogenetic location: 6p21.33.
Variant type: single nucleotide variant.
Coding change: c.1954G>A on transcript NM_025257.3 (MANE Select); coding-DNA position 1954, G replaced by A.
Protein change: p.Ala652Thr; replaces alanine 652 with threonine.
Molecular consequence: missense variant.
Genome position (GRCh38, 1-based): chr6:31,864,709, C>T on the plus strand (G>A on the coding strand, the complement: SLC44A4 is on the minus strand). VCF-style: chr6-31864709-C-T. GRCh37 (hg19) VCF-style: chr6-31832486-C-T.
Other names: c.1828G>A, p.Ala610Thr (NM_001178044.2); c.1726G>A, p.Ala576Thr (NM_001178045.2); short protein forms A576T, A610T, A652T.
Identifiers: ClinVar variation 4692392 (VCV004692392.2).